The following is an entry in ClinVar:

ClinVar aggregate classification (germline): Conflicting classifications of pathogenicity. Review status: criteria provided, conflicting classifications (1 of 4 stars). 5 submissions from 5 submitters: Likely pathogenic (1); Uncertain significance (4). Last evaluated 2026-01-21.

Conditions:
Inborn genetic diseases. Identifiers: MedGen C0950123, MeSH D030342.
Oculocutaneous albinism type 1A (OCA1A). Also called: Albinism, oculocutaneous, type IA. Identifiers: Orphanet 352731, Orphanet 79431, MedGen C4551504, MONDO:0008745, OMIM 203100. Disease mechanism: loss of function.
Oculocutaneous albinism type 1B (OCA1B). Also called: ALBINISM, OCULOCUTANEOUS, TYPE IB; YELLOW ALBINISM; ALBINISM, YELLOW MUTANT TYPE. Identifiers: Orphanet 352731, Orphanet 352737, Orphanet 79434, MedGen C1847024, MONDO:0011749, OMIM 606952.
SKIN/HAIR/EYE PIGMENTATION 3, LIGHT/DARK SKIN (SHEP3). Also called: SKIN/HAIR/EYE PIGMENTATION, VARIATION IN, 3; SKIN/HAIR/EYE PIGMENTATION 3, BLUE/GREEN EYE COLOR; SKIN/HAIR/EYE PIGMENTATION 3, FRECKLING; EYE COLOR 1; EYE COLOR, GREEN/BLUE. Identifiers: MedGen C2677190, OMIM 601800.

Allele frequency attached by ClinVar (database versions not stated): gnomAD 0.00002; gnomAD exomes 0.00002; TOPMed 0.00003.
gnomAD v4.1: 29 of 1,614,106 alleles (0.0018%); highest among the groups gnomAD compares: Middle Eastern, 0.016%; no homozygotes.

Submissions (5):

GeneDx
Classification: Likely pathogenic. Last evaluated: 2026-01-21. Review status: criteria provided, single submitter. Criteria: GeneDx Variant Classification Process June 2021. Collection method: clinical testing. Allele origin: germline.
Comment: In silico analysis supports that this missense variant has a deleterious effect on protein structure/function; Has not been previously published as pathogenic or benign to our knowledge

Ambry Genetics
Classification: Uncertain significance for Inborn genetic diseases. Last evaluated: 2025-02-20. Review status: criteria provided, single submitter. Criteria: Ambry Variant Classification Scheme 2023. Collection method: clinical testing. Allele origin: germline.

Fulgent Genetics
Classification: Uncertain significance for Oculocutaneous albinism type 1A; SKIN/HAIR/EYE PIGMENTATION 3, LIGHT/DARK SKIN; Oculocutaneous albinism type 1B. Last evaluated: 2024-06-19. Review status: criteria provided, single submitter. Criteria: ACMG Guidelines, 2015. Collection method: clinical testing. Allele origin: germline.

Blueprint Genetics
Classification: Uncertain significance. Last evaluated: 2023-11-09. Review status: criteria provided, single submitter. Criteria: ACMG Guidelines, 2015. Collection method: clinical testing. Allele origin: germline.

Labcorp Genetics (formerly Invitae), Labcorp
Classification: Uncertain significance. Last evaluated: 2021-08-31. Review status: criteria provided, single submitter. Criteria: Invitae Variant Classification Sherloc (09022015). Collection method: clinical testing. Allele origin: germline.
Comment: This sequence change replaces glutamic acid with valine at codon 130 of the TYR protein (p.Glu130Val). The glutamic acid residue is moderately conserved and there is a moderate physicochemical difference between glutamic acid and valine. This variant is not present in population databases (ExAC no frequency). This variant has not been reported in the literature in individuals affected with TYR-related conditions. Advanced modeling of protein sequence and biophysical properties (such as structural, functional, and spatial information, amino acid conservation, physicochemical variation, residue mobility, and thermodynamic stability) performed at Invitae indicates that this missense variant is expected to disrupt TYR protein function. In summary, the available evidence is currently insufficient to determine the role of this variant in disease. Therefore, it has been classified as a Variant of Uncertain Significance.

NM_000372.5(TYR):c.389A>T (p.Glu130Val)

Gene: TYR (tyrosinase; plus strand). Cytogenetic location: 11q14.3.
Variant type: single nucleotide variant.
Coding change: c.389A>T on transcript NM_000372.5 (MANE Select); coding-DNA position 389, A replaced by T.
Protein change: p.Glu130Val; replaces glutamic acid 130 with valine.
Molecular consequence: missense variant.
Genome position (GRCh38, 1-based): chr11:89,178,342, A>T. VCF-style: chr11-89178342-A-T. GRCh37 (hg19) VCF-style: chr11-88911510-A-T.
Other names: c.389A>T (NM_000372.4); short protein forms E130V.
Identifiers: ClinVar variation 1377526 (VCV001377526.8), dbSNP rs966882228, ClinGen allele CA226290375.
Genomic context (GRCh38, chr11:89,178,342, plus strand): 5'-CAAACTGCACAGAGAGACGACTCTTGGTGAGAAGAAACATCTTCGATTTGAGTGCCCCAG[A>T]GAAGGACAAATTTTTTGCCTACCTCACTTTAGCAAAGCATACCATCAGCTCAGACTATGT-3'
Protein context (NP_000363.1, residues 120-140): RRNIFDLSAP[Glu130Val]KDKFFAYLTL